The following is an entry in ClinVar:

NM_001854.4(COL11A1):c.1039G>A (p.Asp347Asn)

Gene: COL11A1 (collagen type XI alpha 1 chain; minus strand). Cytogenetic location: 1p21.1.
Variant type: single nucleotide variant.
Coding change: c.1039G>A on transcript NM_001854.4 (MANE Select); coding-DNA position 1039, G replaced by A.
Protein change: p.Asp347Asn; replaces aspartic acid 347 with asparagine.
Molecular consequence: missense variant. On other transcripts: non-coding transcript variant (1), intron variant (1).
Genome position (GRCh38, 1-based): chr1:103,022,948, C>T on the plus strand (G>A on the coding strand, the complement: COL11A1 is on the minus strand). VCF-style: chr1-103022948-C-T. GRCh37 (hg19) VCF-style: chr1-103488504-C-T.
Other names: c.922G>A, p.Asp308Asn (NM_001190709.2); c.1075G>A, p.Asp359Asn (NM_080629.3); c.898-1179G>A (NM_080630.4); short protein forms D347N, D359N, D308N.
Identifiers: ClinVar variation 373597 (VCV000373597.15), dbSNP rs199942159, ClinGen allele CA975128.

ClinVar aggregate classification (germline): Conflicting classifications of pathogenicity. Review status: criteria provided, conflicting classifications (1 of 4 stars). 4 submissions from 4 submitters: Uncertain significance (3); Likely benign (1). Last evaluated 2025-07-29.

Conditions:
COL11A1-related disorder. Also called: COL11A1-related condition; COL11A1-related disorders.

Allele frequency attached by ClinVar (database versions not stated): gnomAD 0.00003 and 0.00004; TOPMed 0.00003; gnomAD exomes 0.00004 and 0.00007; ExAC 0.00006; 1000 Genomes Project 30x 0.00016; 1000 Genomes Project 0.00020.
gnomAD v4.1: 115 of 1,613,388 alleles (0.0071%); highest among the groups gnomAD compares: Middle Eastern, 0.066%; no homozygotes.

Submissions (4):

PreventionGenetics, part of Exact Sciences
Classification: Uncertain significance for COL11A1-related condition. Last evaluated: 2025-07-29. Review status: criteria provided, single submitter. Criteria: ACMG Guidelines, 2015. Collection method: clinical testing. Allele origin: germline.
Comment: The COL11A1 c.1039G>A variant is predicted to result in the amino acid substitution p.Asp347Asn. To our knowledge, this variant has not been reported in the literature. This variant is present in 0.0093% of alleles in individuals of European (non-Finnish) descent in gnomAD. At this time, the clinical significance of this variant is uncertain due to the absence of conclusive functional and genetic evidence.

Labcorp Genetics (formerly Invitae), Labcorp
Classification: Likely benign. Last evaluated: 2025-06-30. Review status: criteria provided, single submitter. Criteria: Invitae Variant Classification Sherloc (09022015). Collection method: clinical testing. Allele origin: germline.

Blueprint Genetics
Classification: Uncertain significance. Last evaluated: 2024-09-30. Review status: criteria provided, single submitter. Criteria: ACMG Guidelines, 2015. Collection method: clinical testing. Allele origin: germline.

GeneDx
Classification: Uncertain significance. Last evaluated: 2024-05-21. Review status: criteria provided, single submitter. Criteria: GeneDx Variant Classification Process June 2021. Collection method: clinical testing. Allele origin: germline. Affected: yes.
Comment: Has not been previously published as pathogenic or benign to our knowledge; Not located in the triple helical region, where the majority of pathogenic missense variants occur (PMID: 25240749; HGMD); In silico analysis supports that this missense variant does not alter protein structure/function; This variant is associated with the following publications: (PMID: 25240749)